The following is an entry in ClinVar:

NM_017791.3(FLVCR2):c.1124+1G>T

Gene: FLVCR2 (FLVCR choline and putative heme transporter 2; plus strand). Cytogenetic location: 14q24.3.
Variant type: single nucleotide variant.
Coding change: c.1124+1G>T on transcript NM_017791.3 (MANE Select); the canonical splice donor site of the intron after coding-DNA position 1124, G replaced by T.
Molecular consequence: splice donor variant.
Genome position (GRCh38, 1-based): chr14:75,635,014, G>T. VCF-style: chr14-75635014-G-T. GRCh37 (hg19) VCF-style: chr14-76101357-G-T.
Other names: c.509+1G>T (NM_001195283.2).
Identifiers: ClinVar variation 2991798 (VCV002991798.3), dbSNP rs780611797, ClinGen allele CA7278448.

ClinVar aggregate classification (germline): Likely pathogenic (1 of 4 stars; one submission).

Allele frequency attached by ClinVar (database versions not stated): gnomAD 0.00001; TOPMed 0.00001; ExAC 0.00002.
gnomAD v4.1: 9 of 1,585,886 alleles (0.00057%); highest among the groups gnomAD compares: Admixed American, 0.015%; no homozygotes.

Submission:

Labcorp Genetics (formerly Invitae), Labcorp
Classification: Likely pathogenic. Last evaluated: 2024-01-26. Review status: criteria provided, single submitter. Criteria: Invitae Variant Classification Sherloc (09022015). Collection method: clinical testing. Allele origin: germline.
Comment: This sequence change affects a donor splice site in intron 5 of the FLVCR2 gene. It is expected to disrupt RNA splicing. Variants that disrupt the donor or acceptor splice site typically lead to a loss of protein function (PMID: 16199547), and loss-of-function variants in FLVCR2 are known to be pathogenic (PMID: 20206334, 20690116). This variant is present in population databases (rs780611797, gnomAD 0.02%). This variant has not been reported in the literature in individuals affected with FLVCR2-related conditions. Algorithms developed to predict the effect of sequence changes on RNA splicing suggest that this variant may disrupt the consensus splice site. In summary, the currently available evidence indicates that the variant is pathogenic, but additional data are needed to prove that conclusively. Therefore, this variant has been classified as Likely Pathogenic.

Literature cited by the submitters: PubMed 16199547; PubMed 20206334; PubMed 20690116.